The following is an entry in ClinVar:

NM_000719.7(CACNA1C):c.5534C>T (p.Thr1845Met)

Genes: CACNA1C (calcium voltage-gated channel subunit alpha1 C; plus strand), CACNA1C-AS1 (CACNA1C antisense RNA 1; minus strand). Cytogenetic location: 12p13.33.
Variant type: single nucleotide variant.
Coding change: c.5534C>T on transcript NM_000719.7 (MANE Select); coding-DNA position 5534, C replaced by T.
Protein change: p.Thr1845Met; replaces threonine 1845 with methionine.
Molecular consequence: missense variant.
Genome position (GRCh38, 1-based): chr12:2,682,639, C>T. VCF-style: chr12-2682639-C-T. GRCh37 (hg19) VCF-style: chr12-2791805-C-T.
Other names: c.5678C>T, p.Thr1893Met (NM_001129827.2); c.5657C>T, p.Thr1886Met (NM_001129829.2); c.5639C>T, p.Thr1880Met (NM_001129830.3, NM_001167624.3); c.5618C>T, p.Thr1873Met (NM_001129831.2); c.5594C>T, p.Thr1865Met (NM_001129832.2); c.5591C>T, p.Thr1864Met (NM_001129833.2, NM_001129834.2, NM_001129835.2); c.5585C>T, p.Thr1862Met (NM_001129836.2); c.5558C>T, p.Thr1853Met (NM_001129837.2, NM_001129838.2); and 6 more; short protein forms T1845M, T1853M, T1880M, T1893M, T1834M, T1842M, T1851M, T1865M.
Identifiers: ClinVar variation 222516 (VCV000222516.13), dbSNP rs779315017, ClinGen allele CA353964.
Genomic context (GRCh38, chr12:2,682,639, plus strand): 5'-TGGCGGGTCAGGAGGAGACGTCTCAGGATGAGACCTATGAAGTGAAGATGAACCATGACA[C>T]GGAGGCCTGCAGTGAGCCCAGCCTGCTCTCCACAGAGATGTGAGCTCTGCTGCCCTCTGC-3'
Protein context (NP_000710.5, residues 1835-1855): ETYEVKMNHD[Thr1845Met]EACSEPSLLS

ClinVar aggregate classification (germline): Uncertain significance. Review status: criteria provided, multiple submitters, no conflicts (2 of 4 stars). 2 submissions from 2 submitters: Uncertain significance (2). Last evaluated 2026-08-22.

Conditions:
Cardiovascular phenotype. Identifiers: MedGen CN230736.
Long QT syndrome (LQTS). Identifiers: MedGen C0023976, MeSH D008133, MONDO:0002442. Disease mechanism: loss of function. Inheritance: Various modes of inheritance.

Allele frequency attached by ClinVar (database versions not stated): gnomAD exomes below 0.00001; ExAC 0.00001.
gnomAD v4.1: 5 of 1,612,200 alleles (0.00031%); highest among the groups gnomAD compares: Middle Eastern, 0.017%; no homozygotes.

Submissions (2):

Ambry Genetics
Classification: Uncertain significance for Cardiovascular phenotype. Last evaluated: 2026-08-22. Review status: criteria provided, single submitter. Criteria: Ambry Variant Classification Scheme 2023. Collection method: clinical testing. Allele origin: germline.
Comment: The p.T1845M variant (also known as c.5534C>T), located in coding exon 43 of the CACNA1C gene, results from a C to T substitution at nucleotide position 5534. The threonine at codon 1845 is replaced by methionine, an amino acid with similar properties. This amino acid position is conserved. In addition, this alteration is predicted to be tolerated by in silico analysis. Based on the available evidence, the clinical significance of this variant remains unclear.

Labcorp Genetics (formerly Invitae), Labcorp
Classification: Uncertain significance for Long QT syndrome. Last evaluated: 2026-01-14. Review status: criteria provided, single submitter. Criteria: Invitae Variant Classification Sherloc (09022015). Collection method: clinical testing. Allele origin: germline.
Comment: This sequence change replaces threonine, which is neutral and polar, with methionine, which is neutral and non-polar, at codon 1845 of the CACNA1C protein (p.Thr1845Met). This variant is present in population databases (rs779315017, gnomAD 0.0009%). This variant has not been reported in the literature in individuals affected with CACNA1C-related conditions. ClinVar contains an entry for this variant (Variation ID: 222516). Invitae Evidence Modeling of protein sequence and biophysical properties (such as structural, functional, and spatial information, amino acid conservation, physicochemical variation, residue mobility, and thermodynamic stability) indicates that this missense variant is not expected to disrupt CACNA1C protein function with a negative predictive value of 95%. In summary, the available evidence is currently insufficient to determine the role of this variant in disease. Therefore, it has been classified as a Variant of Uncertain Significance.